The following is an entry in ClinVar:

ClinVar aggregate classification (germline): Uncertain significance (1 of 4 stars; one submission).

Conditions:
ENHANCED S-CONE SYNDROME 1 (ESCS1). Also called: RETINOSCHISIS WITH EARLY HEMERALOPIA; FAVRE HYALOIDEORETINAL DEGENERATION. Identifiers: MedGen CN380299, OMIM 268100.

Submission:

Myriad Genetics, Inc.
Classification: Uncertain significance for ENHANCED S-CONE SYNDROME 1. Last evaluated: 2025-09-30. Review status: criteria provided, single submitter. Criteria: Myriad Autosomal Dominant, Autosomal Recessive and X-Linked Classification Criteria (2023). Collection method: clinical testing. Allele origin: unknown.
Comment: NM_014249.2(NR2E3):c.747+4_747+5insGTAG is an intronic variant classified as a variant of uncertain significance in the context of enhanced S-cone syndrome. c.747+4_747+5insGTAG has not been observed in cases with relevant disease. Relevant functional assessments of this variant are not available in the literature. c.747+4_747+5insGTAG has not been observed in referenced population frequency databases. In summary, there is insufficient evidence to classify NM_014249.2(NR2E3):c.747+4_747+5insGTAG as pathogenic or benign. Please note: this variant was assessed in the context of healthy population screening.

NM_014249.4(NR2E3):c.747+4_747+5insGTAG

Gene: NR2E3 (nuclear receptor subfamily 2 group E member 3; plus strand). Cytogenetic location: 15q23.
Variant type: Insertion.
Coding change: c.747+4_747+5insGTAG on transcript NM_014249.4 (MANE Select); bases 4 to 5 of the intron after coding-DNA position 747, GTAG inserted.
Molecular consequence: intron variant.
Genome position: GRCh38 VCF-style: chr15-71812515-C-CGTAG. GRCh37 (hg19) VCF-style: chr15-72104855-C-CGTAG.
Other names: c.747+4_747+5insGTAG (NM_016346.4).
Identifiers: ClinVar variation 5004194 (VCV005004194.1).